The following is an entry in ClinVar:

NM_000256.3(MYBPC3):c.3329T>C (p.Met1110Thr)

Gene: MYBPC3 (myosin binding protein C3; minus strand). Cytogenetic location: 11p11.2.
Variant type: single nucleotide variant.
Coding change: c.3329T>C on transcript NM_000256.3 (MANE Select); coding-DNA position 3329, T replaced by C.
Protein change: p.Met1110Thr; replaces methionine 1110 with threonine.
Molecular consequence: missense variant.
Genome position (GRCh38, 1-based): chr11:47,333,195, A>G on the plus strand (T>C on the coding strand, the complement: MYBPC3 is on the minus strand). VCF-style: chr11-47333195-A-G. GRCh37 (hg19) VCF-style: chr11-47354746-A-G.
Other names: c.3329T>C, p.Met1110Thr (LRG_386t1); short protein forms M1110T.
Identifiers: ClinVar variation 518977 (VCV000518977.10), dbSNP rs1321563978, ClinGen allele CA380314015.
Genomic context (GRCh38, chr11:47,333,195, plus strand): 5'-GGCCTGGGTCTGCCGGGCCTAGGCAGGGTGCACGTGGGGACCCCAGACCCTGGGCTCACC[A>G]TGGTCTTCTTGTCGGCTTTCTGCACTGTGTACCCCCAGAGCTCCGTGTTGCCGACATCCT-3'
Protein context (NP_000247.2, residues 1100-1120): YTVQKADKKT[Met1110Thr]EWFTVLEHYR

ClinVar aggregate classification (germline): Uncertain significance. Review status: criteria provided, multiple submitters, no conflicts (2 of 4 stars). 2 submissions from 2 submitters: Uncertain significance (2). Last evaluated 2024-10-28.

Conditions:
Cardiovascular phenotype. Identifiers: MedGen CN230736.
Hypertrophic cardiomyopathy. Also called: HYPERTROPHIC MYOCARDIOPATHY. Identifiers: Orphanet 217569, MedGen C0007194, MeSH D002312, MONDO:0005045, HP:0001639.

Allele frequency attached by ClinVar (database versions not stated): gnomAD exomes below 0.00001.

Submissions (2):

Labcorp Genetics (formerly Invitae), Labcorp
Classification: Uncertain significance for Hypertrophic cardiomyopathy. Last evaluated: 2024-10-28. Review status: criteria provided, single submitter. Criteria: Invitae Variant Classification Sherloc (09022015). Collection method: clinical testing. Allele origin: germline.
Comment: This sequence change replaces methionine, which is neutral and non-polar, with threonine, which is neutral and polar, at codon 1110 of the MYBPC3 protein (p.Met1110Thr). The frequency data for this variant in the population databases is considered unreliable, as metrics indicate poor data quality at this position in the gnomAD database. This variant has not been reported in the literature in individuals affected with MYBPC3-related conditions. ClinVar contains an entry for this variant (Variation ID: 518977). An algorithm developed to predict the effect of missense changes on protein structure and function (PolyPhen-2) suggests that this variant is likely to be disruptive. In summary, the available evidence is currently insufficient to determine the role of this variant in disease. Therefore, it has been classified as a Variant of Uncertain Significance.

Ambry Genetics
Classification: Uncertain significance for Cardiovascular phenotype. Last evaluated: 2017-02-02. Review status: criteria provided, single submitter. Criteria: Ambry Variant Classification Scheme 2023. Collection method: clinical testing. Allele origin: germline.
Comment: The p.M1110T variant (also known as c.3329T>C), located in coding exon 30 of the MYBPC3 gene, results from a T to C substitution at nucleotide position 3329. The methionine at codon 1110 is replaced by threonine, an amino acid with similar properties. This amino acid position is highly conserved in available vertebrate species. In addition, this alteration is predicted to be deleterious by in silico analysis. Since supporting evidence is limited at this time, the clinical significance of this alteration remains unclear.